The following continues an entry in ClinVar:

NM_002878.4(RAD51D):c.796C>T (p.Arg266Cys)

ClinVar aggregate classification (germline): Conflicting classifications of pathogenicity. Likely pathogenic (3); Uncertain significance (17); Likely benign (5).

Submissions 12 to 27 of 27:

Color Diagnostics, LLC DBA Color Health
Classification: Uncertain significance for Hereditary cancer-predisposing syndrome. Last evaluated: 2024-03-27. Review status: criteria provided, single submitter. Criteria: ACMG Guidelines, 2015. Collection method: clinical testing. Allele origin: germline.
Comment: This missense variant replaces arginine with cysteine at codon 266 of the RAD51D protein. Computational prediction suggests that this variant may not impact protein structure and function. To our knowledge, functional studies have not been reported for this variant. This variant has been reported in individuals affected with breast and ovarian cancer (PMID: 23372765, 29470806, 29522266, 30111881, 30651582). In a large breast cancer case-control study, this variant was identified in 6/60466 cases and 2/53461 controls (OR=2.653, 95%CI 0.535 to 13.143; p-value=0.296; PMID: 33471991 - Leiden Open Variation Database DB-ID RAD51D_000013). This variant has also been identified in 46/282806 chromosomes in the general population by the Genome Aggregation Database (gnomAD). The available evidence is insufficient to determine the role of this variant in disease conclusively. Therefore, this variant is classified as a Variant of Uncertain Significance.

CHEO Genetics Diagnostic Laboratory, Children's Hospital of Eastern Ontario
Classification: Uncertain significance for Breast and/or ovarian cancer. Last evaluated: 2023-06-01. Review status: criteria provided, single submitter. Criteria: ACMG Guidelines, 2015. Collection method: clinical testing. Allele origin: germline.

Myriad Genetics, Inc.
Classification: Uncertain significance for Breast-ovarian cancer, familial, susceptibility to, 4. Last evaluated: 2023-04-06. Review status: criteria provided, single submitter. Criteria: Myriad Autosomal Dominant, Autosomal Recessive and X-Linked Classification Criteria (2023). Collection method: clinical testing. Allele origin: unknown.
Comment: This variant is classified as a variant of uncertain significance as there is insufficient evidence to determine its impact on protein function and/or cancer risk.

Ambry Genetics
Classification: Likely benign for Hereditary cancer-predisposing syndrome. Last evaluated: 2022-09-20. Review status: criteria provided, single submitter. Criteria: Ambry Variant Classification Scheme 2023. Collection method: clinical testing. Allele origin: germline.

MGZ Medical Genetics Center
Classification: Likely pathogenic for Breast-ovarian cancer, familial, susceptibility to, 4. Last evaluated: 2022-08-03. Review status: criteria provided, single submitter. Criteria: ACMG Guidelines, 2015. Collection method: clinical testing. Allele origin: germline. Affected: yes. Observed: 4 variant alleles.
Comment: ACMG criteria applied: PS3_MOD, PS4_MOD, PM2_SUP, PP3

Institute for Clinical Genetics, University Hospital TU Dresden, University Hospital TU Dresden
Classification: Likely pathogenic. Last evaluated: 2021-11-03. Review status: criteria provided, single submitter. Criteria: ACMG Guidelines, 2015. Collection method: clinical testing. Allele origin: germline.

Sema4
Classification: Uncertain significance for Hereditary cancer-predisposing syndrome. Last evaluated: 2021-09-15. Review status: criteria provided, single submitter. Criteria: Sema4 Curation Guidelines. Collection method: curation. Allele origin: germline.
Comment: The RAD51D c.796C>T (p.R266C) variant has been reported in heterozygosity in at least 12 individuals with breast and/or ovarian cancer (PMID: 23372765, 30111881, 31159747, 30651582, 29470806, 33471991) and has also been reported in healthy controls (PMID: 33471991). It was observed in 24/30782 chromosomes of the South Asian subpopulation, with no homozygotes, in the large and broad cohorts of the Genome Aggregation Database (PMID: 32461654). The variant has been reported in ClinVar (Variation ID: 141519). Functional studies have not been performed, and in silico predictions of the variant's effect on protein function are inconclusive. The evidence is insufficient to meet ACMG/AMP criteria for classifying the variant as benign or pathogenic. Thus, the clinical significance of this variant is currently uncertain.

Institute of Medical Genetics and Applied Genomics, University Hospital Tübingen
Classification: Likely pathogenic. Last evaluated: 2020-10-23. Review status: criteria provided, single submitter. Criteria: ACMG Guidelines, 2015. Collection method: clinical testing. Allele origin: germline. Inheritance: Unknown mechanism. Affected: yes.

Genetics and Molecular Pathology, SA Pathology
Classification: Uncertain significance for Breast-ovarian cancer, familial, susceptibility to, 4. Last evaluated: 2020-10-07. Review status: criteria provided, single submitter. Criteria: ACMG Guidelines, 2015. Collection method: clinical testing. Allele origin: germline. Affected: yes.

Cambridge Genomics Laboratory, East Genomic Laboratory Hub, NHS Genomic Medicine Service
Classification: Uncertain significance for Cancer or benign tumor. Last evaluated: 2020-05-26. Review status: criteria provided, single submitter. Criteria: ACGS Best Practice Guidelines for Variant Classification in Rare Disease 2020. Collection method: clinical testing. Allele origin: germline. Affected: yes. Observed: 1 variant allele.

Mendelics
Classification: Uncertain significance for Breast-ovarian cancer, familial, susceptibility to, 4. Last evaluated: 2019-05-28. Review status: criteria provided, single submitter. Criteria: Mendelics Assertion Criteria 2017. Collection method: clinical testing. Allele origin: unknown.

Institute of Human Genetics, University of Leipzig Medical Center
Classification: Uncertain significance for Breast-ovarian cancer, familial, susceptibility to, 4. Last evaluated: 2019-01-01. Review status: criteria provided, single submitter. Criteria: ACMG Guidelines, 2015. Collection method: clinical testing. Allele origin: unknown. Affected: yes.

GeneKor MSA
Classification: Uncertain significance for Hereditary cancer-predisposing syndrome. Last evaluated: 2018-08-01. Review status: criteria provided, single submitter. Criteria: ACMG Guidelines, 2015. Collection method: clinical testing. Allele origin: germline. Affected: yes.

Neuberg Centre For Genomic Medicine, NCGM
Classification: Uncertain significance for Breast-ovarian cancer, familial, susceptibility to, 4. Review status: criteria provided, single submitter. Criteria: ACMG Guidelines, 2015. Collection method: clinical testing. Allele origin: germline. Inheritance: Autosomal dominant inheritance. Affected: yes.
Comment: The missense c.796C>T p.Arg266Cys variant in the RAD51D gene has been reported has been reported in individuals affected with breast and ovarian cancer Hauke, Jan et al., 2018. This variant is reported with the allele frequency 0.01% in the gnomAD Exomes and novel in 1000 Genomes. It is submitted to ClinVar as Likely Pathogenic/ Likely Benign/ Uncertain Significance multiple submissions. The amino acid Arginine at position 266 is changed to a Cystine changing protein sequence and it might alter its composition and physico-chemical properties. The variant is predicted as damaging by SIFT. The amino acid change p.Arg266Cys in RAD51D is predicted as conserved by GERP++ and PhyloP across 100 vertebrates. Functional studies are required to prove the pathogenicity of the variant. For these reasons, this variant has been classified as Uncertain Significance.

Counsyl
Classification: Uncertain significance for Breast-ovarian cancer, familial, susceptibility to, 4. Last evaluated: 2016-09-27. Review status: no assertion criteria provided. Collection method: clinical testing. Allele origin: unknown. Not counted in ClinVar's aggregate classification.

Department of Pathology and Laboratory Medicine, Sinai Health System
Classification: Uncertain significance for Malignant tumor of breast. Review status: no assertion criteria provided. Collection method: clinical testing. Allele origin: unknown. Affected: yes. Study: The Canadian Open Genetics Repository (COGR). Not counted in ClinVar's aggregate classification.
Comment: RAD51D, EXON9, c.796C>T, p.Arg266Cys, Heterozygous, Uncertain Significance The RAD51D p.Arg266Cys variant was identified in 3 of 16,144 proband chromosomes (frequency: 0.0002) from individuals with breast or ovarian cancer and was not identified in 5310 control chromosomes from healthy individuals (Thompson 2013, Konstanta 2018, Hauke 2018). The variant was identified in dbSNP (rs587781813) as â€šÃ„Ãºwith uncertain significance alleleâ€šÃ„Ã¹ and ClinVar (classified as uncertain significance by Invitae, Ambry Genetics and 6 other submitters). The variant was identified in control databases in 42 of 277,160 chromosomes at a frequency of 0.0002 (Genome Aggregation Database Feb 27, 2017). The variant was observed in the following populations: African in 2 of 24,030 chromosomes (freq: 0.00008), Other in 2 of 6466 chromosomes (freq: 0.0003), European in 14 of 126,688 chromosomes (freq: 0.0001), and South Asian in 24 of 30,782 chromosomes (freq: 0.0008); it was not observed in the Latino, Ashkenazi Jewish, East Asian or Finnish populations. The p.Arg266 residue is conserved in mammals and computational analyses (PolyPhen-2, SIFT, AlignGVGD, BLOSUM, MutationTaster) provide inconsistent predictions regarding the impact to the protein; this information is not very predictive of pathogenicity. The variant occurs outside of the splicing consensus sequence and in silico or computational prediction software programs (SpliceSiteFinder, MaxEntScan, NNSPLICE, GeneSplicer) do not predict a difference in splicing. In summary, based on the above information, the clinical significance of this variant cannot be determined with certainty at this time. This variant is classified as a variant of uncertain significance.

Literature cited by the submitters: PubMed 23372765 (cited by 7 submitters); PubMed 31159747 (cited by 4 submitters); PubMed 26689913 (cited by Women's Health and Genetics/Laboratory Corporation of America, LabCorp); PubMed 30111881 (cited by 5 submitters); PubMed 30651582 (cited by 5 submitters); PubMed 33471991 (cited by Quest Diagnostics Nichols Institute San Juan Capistrano and Sema4); PubMed 36495689 (cited by Quest Diagnostics Nichols Institute San Juan Capistrano); PubMed 32885271 (cited by Quest Diagnostics Nichols Institute San Juan Capistrano); PubMed 35988656 (cited by Quest Diagnostics Nichols Institute San Juan Capistrano); PubMed 36243179 (cited by Quest Diagnostics Nichols Institute San Juan Capistrano); PubMed 29522266 (cited by 3 submitters); PubMed 29470806 (cited by 4 submitters).